The following is an entry in ClinVar:

ClinVar aggregate classification (germline): Uncertain significance (1 of 4 stars; one submission).

Conditions:
Progressive myoclonic epilepsy. Also called: Familial progressive myoclonic epilepsy; Myoclonus epilepsy; Progressive myoclonus epilepsy; Myoclonic Epilepsies, Progressive. Identifiers: Orphanet 308, Orphanet 98261, MedGen C0751778, MONDO:0020074.

Allele frequency attached by ClinVar (database versions not stated): gnomAD 0.00001.
gnomAD v4.1: 3 of 1,613,370 alleles (0.00019%); highest among the groups gnomAD compares: African/African-American, 0.0027%; no homozygotes.

Submission:

Labcorp Genetics (formerly Invitae), Labcorp
Classification: Uncertain significance for Progressive myoclonic epilepsy. Last evaluated: 2022-08-16. Review status: criteria provided, single submitter. Criteria: Invitae Variant Classification Sherloc (09022015). Collection method: clinical testing. Allele origin: germline.
Comment: This sequence change replaces arginine, which is basic and polar, with proline, which is neutral and non-polar, at codon 69 of the GOSR2 protein (p.Arg69Pro). This variant is present in population databases (no rsID available, gnomAD 0.0009%). This variant has not been reported in the literature in individuals affected with GOSR2-related conditions. ClinVar contains an entry for this variant (Variation ID: 1465400). Algorithms developed to predict the effect of missense changes on protein structure and function are either unavailable or do not agree on the potential impact of this missense change (SIFT: "Deleterious"; PolyPhen-2: "Benign"; Align-GVGD: "Class C65"). In summary, the available evidence is currently insufficient to determine the role of this variant in disease. Therefore, it has been classified as a Variant of Uncertain Significance.

NM_004287.5(GOSR2):c.206G>C (p.Arg69Pro)

Genes: GOSR2 (golgi SNAP receptor complex member 2; plus strand), LRRC37A2 (leucine rich repeat containing 37 member A2), LOC126862578 (BRD4-independent group 4 enhancer GRCh37_chr17:45008344-45009543; plus strand). Cytogenetic location: 17q21.32.
Variant type: single nucleotide variant.
Coding change: c.206G>C on transcript NM_004287.5 (MANE Select); coding-DNA position 206, G replaced by C.
Protein change: p.Arg69Pro; replaces arginine 69 with proline.
Molecular consequence: missense variant. On other transcripts: non-coding transcript variant (3).
Genome position (GRCh38, 1-based): chr17:46,932,069, G>C. VCF-style: chr17-46932069-G-C. GRCh37 (hg19) VCF-style: chr17-45009435-G-C.
Other names: c.206G>C, p.Arg69Pro (NM_001012511.3, NM_001321133.2, NM_001330252.2 and 1 more transcripts); c.152G>C, p.Arg51Pro (NM_001321134.2, NM_001363851.2); c.203G>C, p.Arg68Pro (NM_001353114.2, NM_001353115.2, NM_001353116.2); short protein forms R51P, R69P, R68P.
Identifiers: ClinVar variation 1465400 (VCV001465400.6), dbSNP rs780211637, ClinGen allele CA400016847.